The following is an entry in ClinVar:

NM_020458.4(TTC7A):c.46G>A (p.Glu16Lys)

Genes: MCFD2 (multiple coagulation factor deficiency 2, ER cargo receptor complex subunit; minus strand), TTC7A (tetratricopeptide repeat domain 7A; plus strand). Cytogenetic location: 2p21.
Variant type: single nucleotide variant.
Coding change: c.46G>A on transcript NM_020458.4 (MANE Select); coding-DNA position 46, G replaced by A.
Protein change: p.Glu16Lys; replaces glutamic acid 16 with lysine.
Molecular consequence: missense variant. On other transcripts: 5 prime UTR variant (2), intron variant (1).
Genome position (GRCh38, 1-based): chr2:46,941,587, G>A. VCF-style: chr2-46941587-G-A. GRCh37 (hg19) VCF-style: chr2-47168726-G-A.
Other names: c.46G>A, p.Glu16Lys (NM_001288951.2); c.-859G>A (NM_001288955.2); c.-22C>T (NM_001171508.2); c.77C>T, p.Ser26Leu (NM_001171511.3); c.83-8776G>A (NM_001288953.2); short protein forms E16K, S26L.
Identifiers: ClinVar variation 1433198 (VCV001433198.4), dbSNP rs775389933, ClinGen allele CA1647025.

ClinVar aggregate classification (germline): Uncertain significance (1 of 4 stars; one submission).

Conditions:
Multiple gastrointestinal atresias. Also called: FAMILIAL INTESTINAL POLYATRESIA SYNDROME; Multiple intestinal atresia. Identifiers: Orphanet 2300, MedGen C0220744, MONDO:0009465.

Allele frequency attached by ClinVar (database versions not stated): gnomAD 0.00002; gnomAD exomes 0.00004 and 0.00001; TOPMed 0.00003.
gnomAD v4.1: 66 of 1,557,230 alleles (0.0042%); highest among the groups gnomAD compares: Non-Finnish European, 0.005%; no homozygotes.

Submission:

Labcorp Genetics (formerly Invitae), Labcorp
Classification: Uncertain significance for Multiple gastrointestinal atresias. Last evaluated: 2022-08-08. Review status: criteria provided, single submitter. Criteria: Invitae Variant Classification Sherloc (09022015). Collection method: clinical testing. Allele origin: germline.
Comment: This sequence change replaces glutamic acid, which is acidic and polar, with lysine, which is basic and polar, at codon 16 of the TTC7A protein (p.Glu16Lys). This variant is present in population databases (rs775389933, gnomAD 0.006%). This variant has not been reported in the literature in individuals affected with TTC7A-related conditions. ClinVar contains an entry for this variant (Variation ID: 1433198). Algorithms developed to predict the effect of missense changes on protein structure and function are either unavailable or do not agree on the potential impact of this missense change (SIFT: "Tolerated"; PolyPhen-2: "Probably Damaging"; Align-GVGD: "Class C0"). In summary, the available evidence is currently insufficient to determine the role of this variant in disease. Therefore, it has been classified as a Variant of Uncertain Significance.